The following is an entry in ClinVar:

ClinVar aggregate classification (germline): Uncertain significance (1 of 4 stars; one submission).

Conditions:
Developmental and epileptic encephalopathy, 8 (DEE8). Also called: HYPEREKPLEXIA AND EPILEPSY. Identifiers: Orphanet 163985, Orphanet 2076, MedGen C1845102, MONDO:0010375, OMIM 300607.

Allele frequency attached by ClinVar (database versions not stated): gnomAD exomes below 0.00001; TOPMed 0.00001.
gnomAD v4.1: 3 of 1,201,930 alleles (0.00025%); highest among the groups gnomAD compares: Non-Finnish European, 0.00034%; no homozygotes.

Submission:

Labcorp Genetics (formerly Invitae), Labcorp
Classification: Uncertain significance for Developmental and epileptic encephalopathy, 8. Last evaluated: 2025-12-08. Review status: criteria provided, single submitter. Criteria: Invitae Variant Classification Sherloc (09022015). Collection method: clinical testing. Allele origin: germline.
Comment: This sequence change replaces glycine, which is neutral and non-polar, with serine, which is neutral and polar, at codon 478 of the ARHGEF9 protein (p.Gly478Ser). This variant is not present in population databases (gnomAD no frequency). This variant has not been reported in the literature in individuals affected with ARHGEF9-related conditions. ClinVar contains an entry for this variant (Variation ID: 2072170). Invitae Evidence Modeling of protein sequence and biophysical properties (such as structural, functional, and spatial information, amino acid conservation, physicochemical variation, residue mobility, and thermodynamic stability) indicates that this missense variant is not expected to disrupt ARHGEF9 protein function with a negative predictive value of 95%. In summary, the available evidence is currently insufficient to determine the role of this variant in disease. Therefore, it has been classified as a Variant of Uncertain Significance.

NM_001353921.2(ARHGEF9):c.1453G>A (p.Gly485Ser)

Gene: ARHGEF9 (Cdc42 guanine nucleotide exchange factor 9; minus strand). Cytogenetic location: Xq11.1.
Variant type: single nucleotide variant.
Coding change: c.1453G>A on transcript NM_001353921.2 (MANE Select); coding-DNA position 1453, G replaced by A.
Protein change: p.Gly485Ser; replaces glycine 485 with serine.
Molecular consequence: missense variant. On other transcripts: 3 prime UTR variant (2).
Genome position (GRCh38, 1-based): chrX:63,638,147, C>T on the plus strand (G>A on the coding strand, the complement: ARHGEF9 is on the minus strand). VCF-style: chrX-63638147-C-T. GRCh37 (hg19) VCF-style: chrX-62858027-C-T.
Other names: c.1273G>A, p.Gly425Ser (NM_001173479.2); c.1126G>A, p.Gly376Ser (NM_001173480.2, NM_001369042.1); c.1369G>A, p.Gly457Ser (NM_001330495.2, NM_001369033.1, NM_001369034.1 and 4 more transcripts); c.1321G>A, p.Gly441Ser (NM_001353922.2); c.1471G>A, p.Gly491Ser (NM_001353923.1); c.1252G>A, p.Gly418Ser (NM_001353924.2, NM_001353926.2, NM_001369039.1 and 1 more transcripts); c.1237G>A, p.Gly413Ser (NM_001353927.2, NM_001369041.1); c.1300G>A, p.Gly434Ser (NM_001353928.2); and 3 more; short protein forms G376S, G434S, G413S, G425S, G485S, G296S, G418S, G491S.
Identifiers: ClinVar variation 2072170 (VCV002072170.4), dbSNP rs1371313485, ClinGen allele CA413401200.